The following is an entry in ClinVar:

ClinVar aggregate classification (germline): Uncertain significance. Review status: criteria provided, multiple submitters, no conflicts (2 of 4 stars). 3 submissions from 3 submitters: Uncertain significance (3). Last evaluated 2025-07-21.

Conditions:
Encephalopathy, acute, infection-induced (herpes-specific), susceptibility to, 1. Also called: Herpes simplex encephalitis, susceptibility to, 1. Identifiers: Orphanet 1930, MedGen C2750180, MONDO:0024563, OMIM 610551.
TLR3-related disorder. Also called: TLR3-related condition.

Allele frequency attached by ClinVar (database versions not stated): TOPMed 0.00003; gnomAD exomes 0.00001; gnomAD 0.00001; ExAC 0.00002.
gnomAD v4.1: 2 of 1,614,094 alleles (0.00012%); highest among the groups gnomAD compares: Non-Finnish European, 0.000085%; no homozygotes.

Submissions (3):

PreventionGenetics, part of Exact Sciences
Classification: Uncertain significance for TLR3-related condition. Last evaluated: 2025-07-21. Review status: criteria provided, single submitter. Criteria: ACMG Guidelines, 2015. Collection method: clinical testing. Allele origin: germline.
Comment: The TLR3 c.1498T>C variant is predicted to result in the amino acid substitution p.Ser500Pro. To our knowledge, this variant has not been reported in the literature. This variant is reported in 0.0062% of alleles in individuals of African descent in gnomAD. At this time, the clinical significance of this variant is uncertain due to the absence of conclusive functional and genetic evidence.

Labcorp Genetics (formerly Invitae), Labcorp
Classification: Uncertain significance for Encephalopathy, acute, infection-induced (herpes-specific), susceptibility to, 1. Last evaluated: 2025-01-07. Review status: criteria provided, single submitter. Criteria: Invitae Variant Classification Sherloc (09022015). Collection method: clinical testing. Allele origin: germline.
Comment: This sequence change replaces serine, which is neutral and polar, with proline, which is neutral and non-polar, at codon 500 of the TLR3 protein (p.Ser500Pro). This variant is present in population databases (rs763457697, gnomAD 0.007%). This variant has not been reported in the literature in individuals affected with TLR3-related conditions. ClinVar contains an entry for this variant (Variation ID: 1360726). An algorithm developed to predict the effect of missense changes on protein structure and function (PolyPhen-2) suggests that this variant is likely to be tolerated. In summary, the available evidence is currently insufficient to determine the role of this variant in disease. Therefore, it has been classified as a Variant of Uncertain Significance.

Blueprint Genetics
Classification: Uncertain significance. Last evaluated: 2024-07-17. Review status: criteria provided, single submitter. Criteria: ACMG Guidelines, 2015. Collection method: clinical testing. Allele origin: germline.

NM_003265.3(TLR3):c.1498T>C (p.Ser500Pro)

Gene: TLR3 (toll like receptor 3; plus strand). Cytogenetic location: 4q35.1.
Variant type: single nucleotide variant.
Coding change: c.1498T>C on transcript NM_003265.3 (MANE Select); coding-DNA position 1498, T replaced by C.
Protein change: p.Ser500Pro; replaces serine 500 with proline.
Molecular consequence: missense variant.
Genome position (GRCh38, 1-based): chr4:186,083,184, T>C. VCF-style: chr4-186083184-T-C. GRCh37 (hg19) VCF-style: chr4-187004338-T-C.
Other names: c.1498T>C (NM_003265.2); short protein forms S500P.
Identifiers: ClinVar variation 1360726 (VCV001360726.10), dbSNP rs763457697, ClinGen allele CA3161421.
Genomic context (GRCh38, chr4:186,083,184, plus strand): 5'-CCAAGCCTTCAACGACTGATGCTCCGAAGGGTGGCCCTTAAAAATGTGGATAGCTCTCCT[T>C]CACCATTCCAGCCTCTTCGTAACTTGACCATTCTGGATCTAAGCAACAACAACATAGCCA-3'
Protein context (NP_003256.1, residues 490-510): VALKNVDSSP[Ser500Pro]PFQPLRNLTI